The following is an entry in ClinVar:

NM_177438.3(DICER1):c.4397A>C (p.Lys1466Thr)

Gene: DICER1 (dicer 1, ribonuclease III; minus strand). Cytogenetic location: 14q32.13.
Variant type: single nucleotide variant.
Coding change: c.4397A>C on transcript NM_177438.3 (MANE Select); coding-DNA position 4397, A replaced by C.
Protein change: p.Lys1466Thr; replaces lysine 1466 with threonine.
Molecular consequence: missense variant. On other transcripts: non-coding transcript variant (6).
Genome position (GRCh38, 1-based): chr14:95,096,523, T>G on the plus strand (A>C on the coding strand, the complement: DICER1 is on the minus strand). VCF-style: chr14-95096523-T-G. GRCh37 (hg19) VCF-style: chr14-95562860-T-G.
Other names: c.3992A>C, p.Lys1331Thr (NM_001395690.1, NM_001395696.1, NM_001395687.1 and 2 more transcripts); c.3830A>C, p.Lys1277Thr (NM_001395691.1); c.4397A>C, p.Lys1466Thr (NM_001395692.1, NM_001395693.1, NM_001395694.1 and 12 more transcripts); c.2714A>C, p.Lys905Thr (NM_001395697.1); c.4115A>C, p.Lys1372Thr (NM_001395686.1); short protein forms K1277T, K1372T, K905T, K1331T, K1466T.
Identifiers: ClinVar variation 5035339 (VCV005035339.1).

ClinVar aggregate classification (germline): Uncertain significance (1 of 4 stars; one submission).

Conditions:
Hereditary cancer-predisposing syndrome. Also called: Hereditary Cancer Syndrome; Neoplastic Syndromes, Hereditary; Tumor predisposition; Hereditary neoplastic syndrome. Identifiers: Orphanet 140162, MedGen C0027672, MeSH D009386, MONDO:0015356.

Submission:

Ambry Genetics
Classification: Uncertain significance for Hereditary cancer-predisposing syndrome. Last evaluated: 2026-09-07. Review status: criteria provided, single submitter. Criteria: Ambry Variant Classification Scheme 2023. Collection method: clinical testing. Allele origin: germline.
Comment: The p.K1466T variant (also known as c.4397A>C), located in coding exon 22 of the DICER1 gene, results from an A to C substitution at nucleotide position 4397. The lysine at codon 1466 is replaced by threonine, an amino acid with similar properties. This amino acid position is conserved. In addition, this alteration is predicted to be deleterious by in silico analysis. Based on the available evidence, the clinical significance of this variant remains unclear.